The following is an entry in ClinVar:

NM_000065.5(C6):c.2428dup (p.Tyr810fs)

Gene: C6 (complement C6; minus strand). Cytogenetic location: 5p13.1.
Variant type: Duplication.
Coding change: c.2428dup on transcript NM_000065.5 (MANE Select); coding-DNA position 2428, one base duplicated (T; older notation c.2428dupT).
Protein change: p.Tyr810fs; shifts the reading frame from tyrosine 810.
Molecular consequence: frameshift variant.
Genome position (GRCh38, 1-based): chr5:41,149,436, A duplicated on the plus strand (T on the coding strand, the reverse complement: C6 is on the minus strand); the first of 2 consecutive A bases (chr5:41,149,436-41,149,437); duplicating either gives the same sequence. VCF-style (leftmost placement, unchanged base first): chr5-41149435-T-TA. GRCh37 (hg19) VCF-style: chr5-41149537-T-TA.
Other names: c.2428dup, p.Tyr810fs (NM_001115131.4); short protein forms Y810fs.
Identifiers: ClinVar variation 4780989 (VCV004780989.3).

ClinVar aggregate classification (germline): Pathogenic/Likely pathogenic. Review status: criteria provided, multiple submitters, no conflicts (2 of 4 stars). 2 submissions from 2 submitters: Pathogenic (1); Likely pathogenic (1). Last evaluated 2025-07-15.

Submissions (2):

Dasa
Classification: Likely pathogenic. Last evaluated: 2025-07-15. Review status: criteria provided, single submitter. Criteria: DASA Assertion Criteria. Collection method: clinical testing. Allele origin: germline.
Comment: NM_000065.5(C6):c.2428dup (p.Tyr810Leufs*8) is a frameshift variant in C6 predicted to alter the reading frame and introduce a premature termination codon and is predicted to result in an absent or altered protein product. Loss of function is an established disease mechanism for C6-associated disorders. Also, this variant is rare in population databases. Based on the currently available evidence, this variant is classified as likely pathogenic.

Labcorp Genetics (formerly Invitae), Labcorp
Classification: Pathogenic. Last evaluated: 2025-03-31. Review status: criteria provided, single submitter. Criteria: Invitae Variant Classification Sherloc (09022015). Collection method: clinical testing. Allele origin: germline.
Comment: This sequence change creates a premature translational stop signal (p.Tyr810Leufs*8) in the C6 gene. It is expected to result in an absent or disrupted protein product. Loss-of-function variants in C6 are known to be pathogenic (PMID: 17257682). This variant is not present in population databases (gnomAD no frequency). This variant has not been reported in the literature in individuals affected with C6-related conditions. For these reasons, this variant has been classified as Pathogenic.

Literature cited by the submitters: PubMed 17257682 (cited by Labcorp Genetics (formerly Invitae), Labcorp).